The following is an entry in ClinVar:

NM_001164508.2(NEB):c.19371T>G (p.Ser6457Arg)

Gene: NEB (nebulin; minus strand). Cytogenetic location: 2q23.3.
Variant type: single nucleotide variant.
Coding change: c.19371T>G on transcript NM_001164508.2 (MANE Select); coding-DNA position 19371, T replaced by G.
Protein change: p.Ser6457Arg; replaces serine 6457 with arginine.
Molecular consequence: missense variant.
Genome position (GRCh38, 1-based): chr2:151,554,988, A>C on the plus strand (T>G on the coding strand, the complement: NEB is on the minus strand). VCF-style: chr2-151554988-A-C. GRCh37 (hg19) VCF-style: chr2-152411502-A-C.
Other names: p.Ser4756Arg; c.14268T>G (NM_004543.4); c.19371T>G, p.Ser6457Arg (NM_001164507.2, NM_001271208.2); c.14268T>G, p.Ser4756Arg (NM_004543.5); short protein forms S4756R, S6457R.
Identifiers: ClinVar variation 2160503 (VCV002160503.5), dbSNP rs759578199, ClinGen allele CA1907672.

ClinVar aggregate classification (germline): Conflicting classifications of pathogenicity. Review status: criteria provided, conflicting classifications (1 of 4 stars). 2 submissions from 2 submitters: Uncertain significance (1); Likely benign (1). Last evaluated 2024-01-24.

Conditions:
Nemaline myopathy 2 (NEM2). Also called: Nemaline myopathy 2, autosomal recessive. Identifiers: MedGen C1850569, MONDO:0009725, OMIM 256030.

Allele frequency attached by ClinVar (database versions not stated): gnomAD exomes 0.00001; ExAC 0.00004.
gnomAD v4.1: 7 of 1,613,898 alleles (0.00043%); highest among the groups gnomAD compares: South Asian, 0.0077%; no homozygotes.

Submissions (2):

Labcorp Genetics (formerly Invitae), Labcorp
Classification: Likely benign for Nemaline myopathy 2. Last evaluated: 2024-01-24. Review status: criteria provided, single submitter. Criteria: Invitae Variant Classification Sherloc (09022015). Collection method: clinical testing. Allele origin: germline.

Mayo Clinic Laboratories, Mayo Clinic
Classification: Uncertain significance. Last evaluated: 2022-01-10. Review status: criteria provided, single submitter. Criteria: ACMG Guidelines, 2015. Collection method: clinical testing. Allele origin: germline. Observed: 1 variant allele.
Comment: BP4